The following is an entry in ClinVar:

NM_000520.6(HEXA):c.116T>G (p.Leu39Arg)

Gene: HEXA (hexosaminidase subunit alpha; minus strand). Cytogenetic location: 15q23.
Variant type: single nucleotide variant.
Coding change: c.116T>G on transcript NM_000520.6 (MANE Select); coding-DNA position 116, T replaced by G.
Protein change: p.Leu39Arg; replaces leucine 39 with arginine.
Molecular consequence: missense variant. On other transcripts: non-coding transcript variant (1).
Genome position (GRCh38, 1-based): chr15:72,375,857, A>C on the plus strand (T>G on the coding strand, the complement: HEXA is on the minus strand). VCF-style: chr15-72375857-A-C. GRCh37 (hg19) VCF-style: chr15-72668198-A-C.
Other names: c.116T>G, p.Leu39Arg (NM_001318825.2); c.116T>G (NM_000520.5); short protein forms L39R.
Identifiers: ClinVar variation 3935 (VCV000003935.174), dbSNP rs121907979, ClinGen allele CA252933.

ClinVar aggregate classification (germline): Conflicting classifications of pathogenicity. Review status: criteria provided, conflicting classifications (1 of 4 stars). 3 submissions from 3 submitters: Likely pathogenic (1); Uncertain significance (1). 1 of the submissions does not count toward it. Last evaluated 2025-06-02.

Conditions:
Tay-Sachs disease (TSD). Also called: HEXA DEFICIENCY; Hexosaminidase A Deficiency; HEXA Disorders; GM2 gangliosidosis, type 1; Hexosaminidase alpha-subunit deficiency (variant B); Sphingolipidosis, Tay-Sachs. Identifiers: Orphanet 845, MedGen C0039373, MONDO:0010100, OMIM 272800.

Submissions (3):

Labcorp Genetics (formerly Invitae), Labcorp
Classification: Uncertain significance for Tay-Sachs disease. Last evaluated: 2025-06-02. Review status: criteria provided, single submitter. Criteria: Invitae Variant Classification Sherloc (09022015). Collection method: clinical testing. Allele origin: germline.
Comment: This sequence change replaces leucine, which is neutral and non-polar, with arginine, which is basic and polar, at codon 39 of the HEXA protein (p.Leu39Arg). This variant is not present in population databases (gnomAD no frequency). This missense change has been observed in individual(s) with Tay-Sachs disease (PMID: 8490625). ClinVar contains an entry for this variant (Variation ID: 3935). Invitae Evidence Modeling of protein sequence and biophysical properties (such as structural, functional, and spatial information, amino acid conservation, physicochemical variation, residue mobility, and thermodynamic stability) indicates that this missense variant is expected to disrupt HEXA protein function with a positive predictive value of 80%. Studies have shown that this missense change alters HEXA gene expression (PMID: 8490625). In summary, the available evidence is currently insufficient to determine the role of this variant in disease. Therefore, it has been classified as a Variant of Uncertain Significance.

Natera, Inc.
Classification: Likely pathogenic for Tay-Sachs disease. Last evaluated: 2025-02-24. Review status: criteria provided, single submitter. Criteria: Natera Variant Classification Schema (03/2026). Collection method: clinical testing. Allele origin: germline.
Comment: The c.116T>G variant in HEXA is a missense variant predicted to cause substitution of leucine to arginine at amino acid 39. This variant is rare in the general population with a frequency below the threshold expected for the associated phenotype(s). This variant has been observed in one or more individuals affected with the associated recessive disease, as either homozygous or compound heterozygous with a second variant (PMID: 8490625). Computational prediction algorithms indicate this variant is likely to affect gene or protein function. Given the available evidence, this variant is classified as Likely Pathogenic.

OMIM
Classification: Pathogenic for TAY-SACHS DISEASE. Last evaluated: 1993-01-01. Review status: no assertion criteria provided. Collection method: literature only. Allele origin: germline. Not counted in ClinVar's aggregate classification.

Literature cited by the submitters: PubMed 8490625 (cited by 3 submitters).